The following is an entry in ClinVar:

ClinVar aggregate classification (germline): Uncertain significance (1 of 4 stars; one submission).

Conditions:
Neurofibromatosis, type 1 (NF1). Also called: Peripheral type neurofibromatosis; NEUROFIBROMATOSIS, TYPE I, SOMATIC; Neurofibromatosis, type I; VON RECKLINGHAUSEN DISEASE. Identifiers: Orphanet 636, MedGen C0027831, MONDO:0018975, OMIM 162200. Disease mechanism: loss of function.

Submission:

Labcorp Genetics (formerly Invitae), Labcorp
Classification: Uncertain significance for Neurofibromatosis, type 1. Last evaluated: 2015-09-02. Review status: criteria provided, single submitter. Criteria: Invitae Variant Classification Sherloc (09022015). Collection method: clinical testing. Allele origin: germline.
Comment: In summary, this is a novel missense change that is not predicted to affect protein function or cause disease. However the evidence is insufficient at this time to prove that conclusively. It has been classified as a Variant of Uncertain Significance. Algorithms developed to predict the effect of missense changes on protein structure and function (SIFT, PolyPhen-2, Align-GVGD) all suggest that this variant is likely to be tolerated, but these predictions have not been confirmed by published functional studies. This variant is not present in population databases and has not been reported in the literature. This sequence change replaces glutamic acid with glycine at codon 247 of the NF1 protein (p.Glu247Gly). The glutamic acid residue is moderately conserved and there is a moderate physicochemical difference between glutamic acid and glycine.

NM_001042492.3(NF1):c.740A>G (p.Glu247Gly)

Gene: NF1 (neurofibromin 1; plus strand). Cytogenetic location: 17q11.2.
Variant type: single nucleotide variant.
Coding change: c.740A>G on transcript NM_001042492.3 (MANE Select); coding-DNA position 740, A replaced by G.
Protein change: p.Glu247Gly; replaces glutamic acid 247 with glycine.
Molecular consequence: missense variant.
Genome position (GRCh38, 1-based): chr17:31,182,517, A>G. VCF-style: chr17-31182517-A-G. GRCh37 (hg19) VCF-style: chr17-29509535-A-G.
Other names: c.740A>G, p.Glu247Gly (NM_000267.4, NM_001128147.3); short protein forms E247G.
Identifiers: ClinVar variation 220110 (VCV000220110.3), dbSNP rs864622385, ClinGen allele CA350333.